The following is an entry in ClinVar:

NM_000166.6(GJB1):c.527C>T (p.Thr176Ile)

Gene: GJB1 (gap junction protein beta 1; plus strand). Cytogenetic location: Xq13.1.
Variant type: single nucleotide variant.
Coding change: c.527C>T on transcript NM_000166.6 (MANE Select); coding-DNA position 527, C replaced by T.
Protein change: p.Thr176Ile; replaces threonine 176 with isoleucine.
Molecular consequence: missense variant.
Genome position (GRCh38, 1-based): chrX:71,224,234, C>T. VCF-style: chrX-71224234-C-T. GRCh37 (hg19) VCF-style: chrX-70444084-C-T.
Other names: p.Thr176Ile; c.527C>T, p.Thr176Ile (NM_001097642.3); short protein forms T176I.
Identifiers: ClinVar variation 951866 (VCV000951866.13), dbSNP rs1273640670, ClinGen allele CA413502993.

ClinVar aggregate classification (germline): Uncertain significance. Review status: criteria provided, multiple submitters, no conflicts (2 of 4 stars). 3 submissions from 3 submitters: Uncertain significance (2). 1 of the submissions does not count toward it. Last evaluated 2024-05-08.

Conditions:
Charcot-Marie-Tooth disease. Also called: Charcot-Marie-Tooth Neuropathy; Charcot-Marie-Tooth Hereditary Neuropathy. Identifiers: Orphanet 166, MedGen C0007959, MONDO:0015626.
Charcot-Marie-Tooth Neuropathy X. Identifiers: MedGen CN118851.

Allele frequency attached by ClinVar (database versions not stated): TOPMed below 0.00001; gnomAD 0.00001; gnomAD exomes 0.00001.

Submissions (3):

Labcorp Genetics (formerly Invitae), Labcorp
Classification: Uncertain significance for Charcot-Marie-Tooth Neuropathy X. Last evaluated: 2024-05-08. Review status: criteria provided, single submitter. Criteria: Invitae Variant Classification Sherloc (09022015). Collection method: clinical testing. Allele origin: germline.
Comment: This sequence change replaces threonine, which is neutral and polar, with isoleucine, which is neutral and non-polar, at codon 176 of the GJB1 protein (p.Thr176Ile). This variant is present in population databases (no rsID available, gnomAD 0.01%). This variant has not been reported in the literature in individuals affected with GJB1-related conditions. ClinVar contains an entry for this variant (Variation ID: 951866). Advanced modeling of protein sequence and biophysical properties (such as structural, functional, and spatial information, amino acid conservation, physicochemical variation, residue mobility, and thermodynamic stability) performed at Invitae indicates that this missense variant is not expected to disrupt GJB1 protein function with a negative predictive value of 80%. In summary, the available evidence is currently insufficient to determine the role of this variant in disease. Therefore, it has been classified as a Variant of Uncertain Significance.

Mayo Clinic Laboratories, Mayo Clinic
Classification: Uncertain significance. Last evaluated: 2021-04-06. Review status: criteria provided, single submitter. Criteria: ACMG Guidelines, 2015. Collection method: clinical testing. Allele origin: germline.

Natera, Inc.
Classification: Uncertain significance for Charcot-Marie-Tooth disease. Last evaluated: 2021-04-13. Review status: no assertion criteria provided. Collection method: clinical testing. Allele origin: germline. Not counted in ClinVar's aggregate classification.